The following is an entry in ClinVar:

NM_007294.4(BRCA1):c.730_731insGTAACAAATACTGAACATCATCAACCCAGTA (p.Asn244delinsSerAsnLysTyrTer)

Gene: BRCA1 (BRCA1 DNA repair associated; minus strand). Cytogenetic location: 17q21.31.
Variant type: Insertion.
Coding change: c.730_731insGTAACAAATACTGAACATCATCAACCCAGTA on transcript NM_007294.4 (MANE Select); coding-DNA positions 730 to 731, GTAACAAATACTGAACATCATCAACCCAGTA inserted.
Protein change: p.Asn244delinsSerAsnLysTyrTer.
Molecular consequence: nonsense. On other transcripts: frameshift variant (351), non-coding transcript variant (1).
Genome position: GRCh38: chr17:43,094,802-43,094,803. GRCh37 (hg19): chr17:41,246,819-41,246,820.
Other names: c.730_731insGTAACAAATACTGAACATCATCAACCCAGTA, p.Asn244delinsSerAsnLysTyrTer (NM_007294.3, NM_007299.4, NM_007300.4); c.461_462insTAGTAACAAATACTGAACATCATCAACCCAG, p.Asn155Serfs (NM_001407932.1, NM_001407934.1, NM_001407936.1 and 5 more transcripts); c.464_465insTAGTAACAAATACTGAACATCATCAACCCAG, p.Asn156Serfs (NM_001407933.1, NM_001407935.1, NM_001408496.1 and 15 more transcripts); c.605_606insTAGTAACAAATACTGAACATCATCAACCCAG, p.Asn203Serfs (NM_001407937.1, NM_001407938.1, NM_001407939.1 and 34 more transcripts); c.602_603insTAGTAACAAATACTGAACATCATCAACCCAG, p.Asn202Serfs (NM_001407940.1, NM_001407941.1, NM_001408432.1 and 20 more transcripts); c.587_588insTAGTAACAAATACTGAACATCATCAACCCAG, p.Asn197Serfs (NM_001407942.1, NM_001407944.1, NM_001407945.1 and 42 more transcripts); c.584_585insTAGTAACAAATACTGAACATCATCAACCCAG, p.Asn196Serfs (NM_001407943.1, NM_001407964.1, NM_001408462.1 and 26 more transcripts); c.395_396insTAGTAACAAATACTGAACATCATCAACCCAG, p.Asn133Serfs (NM_001407946.1, NM_001407947.1, NM_001407948.1 and 7 more transcripts); and 16 more.
Identifiers: ClinVar variation 548222 (VCV000548222.2), dbSNP rs1555593246, ClinGen allele CA658824558.

ClinVar aggregate classification (germline): Pathogenic (3 of 4 stars; one submission).

Conditions:
Breast-ovarian cancer, familial, susceptibility to, 1 (BROVCA1). Also called: BRCA1 Hereditary Breast and Ovarian Cancer; OVARIAN CANCER, SUSCEPTIBILITY TO. Identifiers: Orphanet 145, MedGen C2676676, MONDO:0011450, OMIM 604370. Disease mechanism: loss of function.

Submission:

Evidence-based Network for the Interpretation of Germline Mutant Alleles (ENIGMA)
Classification: Pathogenic for Breast-ovarian cancer, familial, susceptibility to, 1. Last evaluated: 2017-12-15. Review status: reviewed by expert panel. Criteria: ENIGMA BRCA1/2 Classification Criteria (2017-06-29). Collection method: curation. Allele origin: germline. Study: ENIGMA.
Comment: Variant allele predicted to encode a truncated non-functional protein.